The following is an entry in ClinVar:

NM_006662.3(SRCAP):c.7351C>T (p.Pro2451Ser)

Gene: SRCAP (Snf2 related CREBBP activator protein; plus strand). Cytogenetic location: 16p11.2.
Variant type: single nucleotide variant.
Coding change: c.7351C>T on transcript NM_006662.3 (MANE Select); coding-DNA position 7351, C replaced by T.
Protein change: p.Pro2451Ser; replaces proline 2451 with serine.
Molecular consequence: missense variant.
Genome position (GRCh38, 1-based): chr16:30,737,391, C>T. VCF-style: chr16-30737391-C-T. GRCh37 (hg19) VCF-style: chr16-30748712-C-T.
Other names: short protein forms P2451S.
Identifiers: ClinVar variation 3712231 (VCV003712231.3), dbSNP rs774201662.

ClinVar aggregate classification (germline): Uncertain significance. Review status: criteria provided, multiple submitters, no conflicts (2 of 4 stars). 2 submissions from 2 submitters: Uncertain significance (2). Last evaluated 2025-08-31.

Conditions:
Inborn genetic diseases. Identifiers: MedGen C0950123, MeSH D030342.

Allele frequency attached by ClinVar (database versions not stated): TOPMed 0.00001; ExAC 0.00002.

Submissions (2):

Ambry Genetics
Classification: Uncertain significance for Inborn genetic diseases. Last evaluated: 2025-08-31. Review status: criteria provided, single submitter. Criteria: Ambry Variant Classification Scheme 2023. Collection method: clinical testing. Allele origin: germline.

Labcorp Genetics (formerly Invitae), Labcorp
Classification: Uncertain significance. Last evaluated: 2024-04-16. Review status: criteria provided, single submitter. Criteria: Invitae Variant Classification Sherloc (09022015). Collection method: clinical testing. Allele origin: germline.
Comment: This sequence change replaces proline, which is neutral and non-polar, with serine, which is neutral and polar, at codon 2451 of the SRCAP protein (p.Pro2451Ser). This variant is present in population databases (rs774201662, gnomAD 0.006%). This variant has not been reported in the literature in individuals affected with SRCAP-related conditions. Advanced modeling of protein sequence and biophysical properties (such as structural, functional, and spatial information, amino acid conservation, physicochemical variation, residue mobility, and thermodynamic stability) performed at Invitae indicates that this missense variant is not expected to disrupt SRCAP protein function with a negative predictive value of 80%. In summary, the available evidence is currently insufficient to determine the role of this variant in disease. Therefore, it has been classified as a Variant of Uncertain Significance.